The following is an entry in ClinVar:

ClinVar aggregate classification (germline): Pathogenic (1 of 4 stars; one submission).

Submission:

CeGaT Center for Human Genetics Tuebingen
Classification: Pathogenic. Last evaluated: 2025-11-01. Review status: criteria provided, single submitter. Criteria: CeGaT Center For Human Genetics Tuebingen Variant Classification Criteria Version 2. Collection method: clinical testing. Allele origin: germline. Affected: yes. Observed: 1 variant allele.
Comment: COL4A4: PVS1, PM2

NM_000092.5(COL4A4):c.4448dup (p.Met1484fs)

Gene: COL4A4 (collagen type IV alpha 4 chain; minus strand). Cytogenetic location: 2q36.3.
Variant type: Duplication.
Coding change: c.4448dup on transcript NM_000092.5 (MANE Select); coding-DNA position 4448, one base duplicated (G; older notation c.4448dupG).
Protein change: p.Met1484fs; shifts the reading frame from methionine 1484.
Molecular consequence: frameshift variant.
Genome position (GRCh38, 1-based): chr2:227,010,387, C duplicated on the plus strand (G on the coding strand, the reverse complement: COL4A4 is on the minus strand); the first of 3 consecutive C bases (chr2:227,010,387-227,010,389); duplicating any one gives the same sequence. VCF-style (leftmost placement, unchanged base first): chr2-227010386-G-GC. GRCh37 (hg19) VCF-style: chr2-227875102-G-GC.
Other names: short protein forms M1484fs.
Identifiers: ClinVar variation 4534575 (VCV004534575.6).